The following is an entry in ClinVar:

NM_001042492.3(NF1):c.1405A>G (p.Lys469Glu)

Gene: NF1 (neurofibromin 1; plus strand). Cytogenetic location: 17q11.2.
Variant type: single nucleotide variant.
Coding change: c.1405A>G on transcript NM_001042492.3 (MANE Select); coding-DNA position 1405, A replaced by G.
Protein change: p.Lys469Glu; replaces lysine 469 with glutamic acid.
Molecular consequence: missense variant.
Genome position (GRCh38, 1-based): chr17:31,214,463, A>G. VCF-style: chr17-31214463-A-G. GRCh37 (hg19) VCF-style: chr17-29541481-A-G.
Other names: c.1405A>G, p.Lys469Glu (NM_000267.4, NM_001128147.3); short protein forms K469E.
Identifiers: ClinVar variation 527561 (VCV000527561.6), dbSNP rs1555612271, ClinGen allele CA399001433.
Genomic context (GRCh38, chr17:31,214,463, plus strand): 5'-ATTATCCTGAGTCTTATGTCTGATACCATGTTTTTGTTTTGTTTTTAGAGTCTTACATTT[A>G]AAGAAAAAGTAACAAGCCTTAAATTTAAAGAAAAACCTACAGACCTGGAGACAAGAAGCT-3'
Protein context (NP_001035957.1, residues 459-479): AIRMAPSLTF[Lys469Glu]EKVTSLKFKE

ClinVar aggregate classification (germline): Conflicting classifications of pathogenicity. Review status: criteria provided, conflicting classifications (1 of 4 stars). 2 submissions from 2 submitters: Likely pathogenic (1); Uncertain significance (1). Last evaluated 2026-01-06.

Conditions:
Neurofibromatosis, type 1 (NF1). Also called: VON RECKLINGHAUSEN DISEASE; NEUROFIBROMATOSIS, TYPE I, SOMATIC; Peripheral type neurofibromatosis; Neurofibromatosis, type I. Identifiers: Orphanet 636, MedGen C0027831, MONDO:0018975, OMIM 162200. Disease mechanism: loss of function.

Submissions (2):

Labcorp Genetics (formerly Invitae), Labcorp
Classification: Uncertain significance for Neurofibromatosis, type 1. Last evaluated: 2026-01-06. Review status: criteria provided, single submitter. Criteria: Invitae Variant Classification Sherloc (09022015). Collection method: clinical testing. Allele origin: germline.
Comment: This sequence change replaces lysine, which is basic and polar, with glutamic acid, which is acidic and polar, at codon 469 of the NF1 protein (p.Lys469Glu). This variant is not present in population databases (gnomAD no frequency). This variant has not been reported in the literature in individuals affected with NF1-related conditions. ClinVar contains an entry for this variant (Variation ID: 527561). Invitae Evidence Modeling of protein sequence and biophysical properties (such as structural, functional, and spatial information, amino acid conservation, physicochemical variation, residue mobility, and thermodynamic stability) indicates that this missense variant is not expected to disrupt NF1 protein function with a negative predictive value of 95%. In summary, the available evidence is currently insufficient to determine the role of this variant in disease. Therefore, it has been classified as a Variant of Uncertain Significance.

Baylor Genetics
Classification: Likely pathogenic for Neurofibromatosis, type 1. Last evaluated: 2024-03-11. Review status: criteria provided, single submitter. Criteria: ACMG Guidelines, 2015. Collection method: clinical testing. Allele origin: unknown.